The following is an entry in ClinVar:

NM_000937.5(POLR2A):c.5892T>G (p.Asp1964Glu)

Gene: POLR2A (RNA polymerase II subunit A; plus strand). Cytogenetic location: 17p13.1.
Variant type: single nucleotide variant.
Coding change: c.5892T>G on transcript NM_000937.5 (MANE Select); coding-DNA position 5892, T replaced by G.
Protein change: p.Asp1964Glu; replaces aspartic acid 1964 with glutamic acid.
Molecular consequence: missense variant.
Genome position (GRCh38, 1-based): chr17:7,514,158, T>G. VCF-style: chr17-7514158-T-G. GRCh37 (hg19) VCF-style: chr17-7417475-T-G.
Other names: short protein forms D1964E.
Identifiers: ClinVar variation 3602358 (VCV003602358.2).
Genomic context (GRCh38, chr17:7,514,158, plus strand): 5'-CCCTGGTTACTCGCCCACCAGCCCCACCTACAGTCTCACAAGCCCGGCTATCAGCCCGGA[T>G]GACAGTGACGAGGAGAACTGAGGGCACGTGGGGTGCGGCAGCGGGCTAGGGCCCAGGGCA-3'
Protein context (NP_000928.1, residues 1954-1970): YSLTSPAISP[Asp1964Glu]DSDEEN

ClinVar aggregate classification (germline): Uncertain significance. Review status: criteria provided, multiple submitters, no conflicts (2 of 4 stars). 2 submissions from 2 submitters: Uncertain significance (2). Last evaluated 2025-03-09.

Conditions:
Inborn genetic diseases. Identifiers: MedGen C0950123, MeSH D030342.

Submissions (2):

Ambry Genetics
Classification: Uncertain significance for Inborn genetic diseases. Last evaluated: 2025-03-09. Review status: criteria provided, single submitter. Criteria: Ambry Variant Classification Scheme 2023. Collection method: clinical testing. Allele origin: germline.

GeneDx
Classification: Uncertain significance. Last evaluated: 2024-07-25. Review status: criteria provided, single submitter. Criteria: GeneDx Variant Classification Process June 2021. Collection method: clinical testing. Allele origin: germline. Affected: yes.
Comment: Not observed at significant frequency in large population cohorts (gnomAD); In silico analysis indicates that this missense variant does not alter protein structure/function; Has not been previously published as pathogenic or benign to our knowledge